The following is an entry in ClinVar:

NM_001034850.3(RETREG1):c.1290G>T (p.Glu430Asp)

Gene: RETREG1 (reticulophagy regulator 1; minus strand). Cytogenetic location: 5p15.1.
Variant type: single nucleotide variant.
Coding change: c.1290G>T on transcript NM_001034850.3 (MANE Select); coding-DNA position 1290, G replaced by T.
Protein change: p.Glu430Asp; replaces glutamic acid 430 with aspartic acid.
Molecular consequence: missense variant.
Genome position (GRCh38, 1-based): chr5:16,474,945, C>A on the plus strand (G>T on the coding strand, the complement: RETREG1 is on the minus strand). VCF-style: chr5-16474945-C-A. GRCh37 (hg19) VCF-style: chr5-16475054-C-A.
Other names: c.867G>T, p.Glu289Asp (NM_019000.5); short protein forms E289D, E430D.
Identifiers: ClinVar variation 1063759 (VCV001063759.9), dbSNP rs1486612761, ClinGen allele CA359256005.

ClinVar aggregate classification (germline): Uncertain significance (1 of 4 stars; one submission).

Submission:

Labcorp Genetics (formerly Invitae), Labcorp
Classification: Uncertain significance. Last evaluated: 2022-07-29. Review status: criteria provided, single submitter. Criteria: Invitae Variant Classification Sherloc (09022015). Collection method: clinical testing. Allele origin: germline.
Comment: In summary, the available evidence is currently insufficient to determine the role of this variant in disease. Therefore, it has been classified as a Variant of Uncertain Significance. Algorithms developed to predict the effect of missense changes on protein structure and function output the following: SIFT: "Tolerated"; PolyPhen-2: "Benign"; Align-GVGD: "Class C15". The aspartic acid amino acid residue is found in multiple mammalian species, which suggests that this missense change does not adversely affect protein function. ClinVar contains an entry for this variant (Variation ID: 1063759). This variant has not been reported in the literature in individuals affected with RETREG1-related conditions. This variant is not present in population databases (gnomAD no frequency). This sequence change replaces glutamic acid, which is acidic and polar, with aspartic acid, which is acidic and polar, at codon 430 of the RETREG1 protein (p.Glu430Asp).